The following is an entry in ClinVar:

ClinVar aggregate classification (germline): Uncertain significance (1 of 4 stars; one submission).

Conditions:
Hereditary cancer-predisposing syndrome. Also called: Neoplastic Syndromes, Hereditary; Hereditary Cancer Syndrome; Hereditary neoplastic syndrome; Tumor predisposition. Identifiers: Orphanet 140162, MedGen C0027672, MeSH D009386, MONDO:0015356.

Submission:

Ambry Genetics
Classification: Uncertain significance for Hereditary cancer-predisposing syndrome. Last evaluated: 2023-05-27. Review status: criteria provided, single submitter. Criteria: Ambry Variant Classification Scheme 2023. Collection method: clinical testing. Allele origin: germline.
Comment: The p.L613Q variant (also known as c.1838T>A), located in coding exon 9 of the BRCA2 gene, results from a T to A substitution at nucleotide position 1838. The leucine at codon 613 is replaced by glutamine, an amino acid with dissimilar properties. This amino acid position is conserved. In addition, this alteration is predicted to be tolerated by in silico analysis. Since supporting evidence is limited at this time, the clinical significance of this alteration remains unclear.

NM_000059.4(BRCA2):c.1838T>A (p.Leu613Gln)

Gene: BRCA2 (BRCA2 DNA repair associated; plus strand). Cytogenetic location: 13q13.1.
Variant type: single nucleotide variant.
Coding change: c.1838T>A on transcript NM_000059.4 (MANE Select); coding-DNA position 1838, T replaced by A.
Protein change: p.Leu613Gln; replaces leucine 613 with glutamine.
Molecular consequence: missense variant. On other transcripts: non-coding transcript variant (1), intron variant (1).
Genome position (GRCh38, 1-based): chr13:32,333,316, T>A. VCF-style: chr13-32333316-T-A. GRCh37 (hg19) VCF-style: chr13-32907453-T-A.
Other names: c.1838T>A, p.Leu613Gln (NM_001406719.1, NM_001406720.1, NM_001406721.1); c.424+2286T>A (NM_001406722.1); short protein forms L613Q.
Identifiers: ClinVar variation 2566047 (VCV002566047.2), dbSNP rs587780646, ClinGen allele CA387766249.